The following is an entry in ClinVar:

ClinVar aggregate classification (germline): Benign (1 of 4 stars; one submission).

Conditions:
Pheochromocytoma. Also called: MAX-Related Hereditary Paraganglioma-Pheochromocytoma Syndrome. Identifiers: Orphanet 29072, MedGen C0031511, MONDO:0008233, OMIM 171300, HP:0002666.

Allele frequency attached by ClinVar (database versions not stated): gnomAD exomes 0.00017; TOPMed 0.00040; gnomAD 0.00047 and 0.00050; 1000 Genomes Project 0.00060; 1000 Genomes Project 30x 0.00078.
gnomAD v4.1: 307 of 1,514,976 alleles (0.02%); highest among the groups gnomAD compares: Admixed American, 0.12%; 1 homozygote.

Submission:

Illumina Laboratory Services, Illumina
Classification: Benign for Pheochromocytoma. Last evaluated: 2018-01-13. Review status: criteria provided, single submitter. Criteria: ICSL Variant Classification Criteria 13 December 2019. Collection method: clinical testing. Allele origin: germline.
Comment: This variant was observed in the ICSL laboratory as part of a predisposition screen in an ostensibly healthy population. It had not been previously curated by ICSL or reported in the Human Gene Mutation Database (HGMD: prior to June 1st, 2018), and was therefore a candidate for classification through an automated scoring system. Utilizing variant allele frequency, disease prevalence and penetrance estimates, and inheritance mode, an automated score was calculated to assess if this variant is too frequent to cause the disease. Based on the score and internal cut-off values, a variant classified as benign is not then subjected to further curation. The score for this variant resulted in a classification of benign for this disease.

NM_002382.5(MAX):c.*144C>T

Gene: MAX (MYC associated transcriptional regulator X; minus strand). Cytogenetic location: 14q23.3.
Variant type: single nucleotide variant.
Coding change: c.*144C>T on transcript NM_002382.5 (MANE Select); 144 bases downstream of the stop codon, C replaced by T.
Molecular consequence: 3 prime UTR variant. On other transcripts: intron variant (2).
Genome position (GRCh38, 1-based): chr14:65,076,332, G>A on the plus strand (C>T on the coding strand, the complement: MAX is on the minus strand). VCF-style: chr14-65076332-G-A. GRCh37 (hg19) VCF-style: chr14-65543050-G-A.
Other names: c.144+17376C>T (NM_001271069.2); c.171+17376C>T (NM_197957.4); c.*144C>T (NM_001407107.1, NM_001407111.1, NM_001407105.1 and 7 more transcripts); c.*400C>T (NM_001407108.1, NM_001407104.1, NM_001407099.1 and 2 more transcripts); c.*416C>T (NM_001407109.1, NM_001407110.1, NM_001407103.1 and 4 more transcripts).
Identifiers: ClinVar variation 313814 (VCV000313814.6), dbSNP rs191382960, ClinGen allele CA10635100.